The following is an entry in ClinVar:

NM_015166.4(MLC1):c.822del (p.Ala275fs)

Gene: MLC1 (modulator of VRAC current 1; minus strand). Cytogenetic location: 22q13.33.
Variant type: Deletion.
Coding change: c.822del on transcript NM_015166.4 (MANE Select); coding-DNA position 822, one base deleted (A; older notation c.822delA).
Protein change: p.Ala275fs; shifts the reading frame from alanine 275.
Molecular consequence: frameshift variant. On other transcripts: non-coding transcript variant (3).
Genome position (GRCh38, 1-based): chr22:50,068,505, T deleted on the plus strand (A on the coding strand, the reverse complement: MLC1 is on the minus strand). VCF-style (leftmost placement, unchanged base first): chr22-50068504-CT-C. GRCh37 (hg19) VCF-style: chr22-50506933-CT-C.
Other names: c.822del, p.Ala275fs (NM_001376472.1, NM_001376473.1, NM_001376474.1 and 5 more transcripts); c.765del, p.Ala256fs (NM_001376479.1); c.732del, p.Ala245fs (NM_001376480.1); c.720del, p.Ala241fs (NM_001376481.1); c.666del, p.Ala223fs (NM_001376482.1, NM_001376483.1); c.585del, p.Ala196fs (NM_001376484.1); short protein forms A245fs, A256fs, A196fs, A241fs, A275fs, A223fs.
Identifiers: ClinVar variation 2004626 (VCV002004626.4), dbSNP rs2518488310, ClinGen allele CA2580099907.

ClinVar aggregate classification (germline): Pathogenic (1 of 4 stars; one submission).

Submission:

Labcorp Genetics (formerly Invitae), Labcorp
Classification: Pathogenic. Last evaluated: 2022-09-07. Review status: criteria provided, single submitter. Criteria: Invitae Variant Classification Sherloc (09022015). Collection method: clinical testing. Allele origin: germline.
Comment: For these reasons, this variant has been classified as Pathogenic. This variant has not been reported in the literature in individuals affected with MLC1-related conditions. This variant is not present in population databases (gnomAD no frequency). This sequence change creates a premature translational stop signal (p.Ala275Profs*10) in the MLC1 gene. It is expected to result in an absent or disrupted protein product. Loss-of-function variants in MLC1 are known to be pathogenic (PMID: 11254442, 16470554, 24824219).

Literature cited by the submitters: PubMed 11254442; PubMed 16470554; PubMed 24824219.